The following is an entry in ClinVar:

ClinVar aggregate classification (germline): Uncertain significance (1 of 4 stars; one submission).

Allele frequency attached by ClinVar (database versions not stated): ExAC 0.00002; gnomAD 0.00001; gnomAD exomes below 0.00001; TOPMed 0.00002.
gnomAD v4.1: 9 of 1,610,796 alleles (0.00056%); highest among the groups gnomAD compares: East Asian, 0.0067%; no homozygotes.

Submission:

Labcorp Genetics (formerly Invitae), Labcorp
Classification: Uncertain significance. Last evaluated: 2025-03-17. Review status: criteria provided, single submitter. Criteria: Invitae Variant Classification Sherloc (09022015). Collection method: clinical testing. Allele origin: germline.
Comment: This sequence change replaces threonine, which is neutral and polar, with asparagine, which is neutral and polar, at codon 847 of the RBP3 protein (p.Thr847Asn). This variant is present in population databases (rs782342117, gnomAD 0.01%). This variant has not been reported in the literature in individuals affected with RBP3-related conditions. ClinVar contains an entry for this variant (Variation ID: 1970058). Invitae Evidence Modeling of protein sequence and biophysical properties (such as structural, functional, and spatial information, amino acid conservation, physicochemical variation, residue mobility, and thermodynamic stability) indicates that this missense variant is not expected to disrupt RBP3 protein function with a negative predictive value of 80%. In summary, the available evidence is currently insufficient to determine the role of this variant in disease. Therefore, it has been classified as a Variant of Uncertain Significance.

NM_002900.3(RBP3):c.2540C>A (p.Thr847Asn)

Gene: RBP3 (retinol binding protein 3; plus strand). Cytogenetic location: 10q11.22.
Variant type: single nucleotide variant.
Coding change: c.2540C>A on transcript NM_002900.3 (MANE Select); coding-DNA position 2540, C replaced by A.
Protein change: p.Thr847Asn; replaces threonine 847 with asparagine.
Molecular consequence: missense variant.
Genome position (GRCh38, 1-based): chr10:47,351,024, C>A. VCF-style: chr10-47351024-C-A. GRCh37 (hg19) VCF-style: chr10-48388338-G-T.
Other names: short protein forms T847N.
Identifiers: ClinVar variation 1970058 (VCV001970058.5), dbSNP rs782342117, ClinGen allele CA5487259.